The following is an entry in ClinVar:

ClinVar aggregate classification (germline): Uncertain significance. Review status: criteria provided, multiple submitters, no conflicts (2 of 4 stars). 2 submissions from 2 submitters: Uncertain significance (2). Last evaluated 2025-08-11.

Conditions:
POLD1-related polyposis and colorectal cancer syndrome (CRCS10). Also called: Colorectal cancer 10; COLORECTAL CANCER, SUSCEPTIBILITY TO, ON CHROMOSOME 19q; Colorectal cancer, susceptibility to, 10. Identifiers: Orphanet 220460, MedGen C2675481, MONDO:0012953, OMIM 612591.
Hereditary cancer-predisposing syndrome. Also called: Tumor predisposition; Neoplastic Syndromes, Hereditary; Hereditary Cancer Syndrome; Hereditary neoplastic syndrome. Identifiers: Orphanet 140162, MedGen C0027672, MeSH D009386, MONDO:0015356.

Submissions (2):

Ambry Genetics
Classification: Uncertain significance for Hereditary cancer-predisposing syndrome. Last evaluated: 2025-08-11. Review status: criteria provided, single submitter. Criteria: Ambry Variant Classification Scheme 2023. Collection method: clinical testing. Allele origin: germline.
Comment: The c.3203_3218+1dup17 variant results from a duplication of 17 nucleotides between positions 3203 and 3218 and involves the canonical splice donor site after coding exon 25 of the POLD1 gene. In silico splice site analysis predicts that this alteration will not have any significant effect on splicing; however, the exact impact of this duplication on POLD1 splicing and function is currently unknown. The canonical splice donor site is highly conserved in available vertebrate species. Based on the available evidence, the clinical significance of this variant remains unclear.

Labcorp Genetics (formerly Invitae), Labcorp
Classification: Uncertain significance for POLD1-related polyposis and colorectal cancer syndrome. Last evaluated: 2022-03-04. Review status: criteria provided, single submitter. Criteria: Invitae Variant Classification Sherloc (09022015). Collection method: clinical testing. Allele origin: germline.
Comment: In summary, the available evidence is currently insufficient to determine the role of this variant in disease. Therefore, it has been classified as a Variant of Uncertain Significance. Algorithms developed to predict the effect of sequence changes on RNA splicing suggest that this variant may disrupt the consensus splice site. This variant is also known as c.3202_3218dup (p.Ser1073Argfs*57). This variant has not been reported in the literature in individuals affected with POLD1-related conditions. This variant is not present in population databases (gnomAD no frequency). This sequence change affects a splice site in intron 26 of the POLD1 gene. Missense variants that disrupt the 3'-5' exonuclease (proof-reading) activity of the POLD1 protein are associated with an increased risk for colonic adenomatous polyps and colon cancer (PMID: 23263490, 23447401). However, loss-of-function variants that result in an absent or severely disrupted POLD1 protein, and missense variants outside the exonuclease domain, are unlikely to be associated with polyposis or colon cancer.

Literature cited by the submitters: PubMed 23263490 (cited by Labcorp Genetics (formerly Invitae), Labcorp); PubMed 23447401 (cited by Labcorp Genetics (formerly Invitae), Labcorp).

NM_002691.4(POLD1):c.3203_3218+1dup

Gene: POLD1 (DNA polymerase delta 1, catalytic subunit; plus strand). Cytogenetic location: 19q13.33.
Variant type: Duplication.
Coding change: c.3203_3218+1dup on transcript NM_002691.4 (MANE Select); coding-DNA position 3203 through the canonical splice donor site of the intron after coding-DNA position 3218, 17 bases duplicated (ACGTCATCTGCACCAGG).
Molecular consequence: splice donor variant.
Genome position (GRCh38, 1-based): chr19:50,417,254-50,417,270, ACGTCATCTGCACCAGG duplicated; duplicating any 17 consecutive bases within chr19:50,417,251-50,417,270 gives the same sequence; the c. name uses the placement nearest the transcript's 3' end. VCF-style (leftmost placement, unchanged base first): chr19-50417250-G-GAGGACGTCATCTGCACC. GRCh37 (hg19) VCF-style: chr19-50920507-G-GAGGACGTCATCTGCACC.
Other names: c.3203_3218+1dupACGTCATCTGCACCAGG (NM_002691.2); c.3203_3218+1dup (NM_001256849.1); c.3281_3296+1dup (NM_001308632.1).
Identifiers: ClinVar variation 2084206 (VCV002084206.5), dbSNP rs1568641895, ClinGen allele CA2580097920.
Genomic context (GRCh38, chr19:50,417,250, plus strand): 5'-CTGGAGGAGCGCTTCTCGCGCCTCTGGACGCAGTGCCAGCGCTGCCAGGGCAGCCTGCAC[G>GAGGACGTCATCTGCACC]AGGACGTCATCTGCACCAGGTGTGTGCCATGTCCCGACCCTGGGCTGCCCCGCCCCTTCC-3'